The following is an entry in ClinVar:

ClinVar aggregate classification (germline): Uncertain significance. Review status: criteria provided, multiple submitters, no conflicts (2 of 4 stars). 2 submissions from 2 submitters: Uncertain significance (2). Last evaluated 2024-07-05.

Conditions:
Hereditary cancer-predisposing syndrome. Also called: Neoplastic Syndromes, Hereditary; Tumor predisposition; Hereditary Cancer Syndrome; Hereditary neoplastic syndrome. Identifiers: Orphanet 140162, MedGen C0027672, MeSH D009386, MONDO:0015356.
Familial adenomatous polyposis 1 (FAP1). Also called: POLYPOSIS, ADENOMATOUS INTESTINAL; FAMILIAL ADENOMATOUS POLYPOSIS 1, ATTENUATED. Identifiers: MedGen C2713442, MONDO:0021056, OMIM 175100. Disease mechanism: loss of function.

Allele frequency attached by ClinVar (database versions not stated): gnomAD exomes below 0.00001.
gnomAD v4.1: 1 of 1,614,050 alleles (0.000062%); highest among the groups gnomAD compares: Non-Finnish European, 0.000085%; no homozygotes.

Submissions (2):

Ambry Genetics
Classification: Uncertain significance for Hereditary cancer-predisposing syndrome. Last evaluated: 2024-07-05. Review status: criteria provided, single submitter. Criteria: Ambry Variant Classification Scheme 2023. Collection method: clinical testing. Allele origin: germline.
Comment: The p.S1238T variant (also known as c.3713G>C), located in coding exon 15 of the APC gene, results from a G to C substitution at nucleotide position 3713. The serine at codon 1238 is replaced by threonine, an amino acid with similar properties. This amino acid position is not well conserved in available vertebrate species. In addition, in silico predictors for this gene do not accurately predict pathogenicity. Since supporting evidence is limited at this time, the clinical significance of this alteration remains unclear.

Labcorp Genetics (formerly Invitae), Labcorp
Classification: Uncertain significance for Familial adenomatous polyposis 1. Last evaluated: 2022-11-14. Review status: criteria provided, single submitter. Criteria: Invitae Variant Classification Sherloc (09022015). Collection method: clinical testing. Allele origin: germline.
Comment: This sequence change replaces serine, which is neutral and polar, with threonine, which is neutral and polar, at codon 1238 of the APC protein (p.Ser1238Thr). This variant is present in population databases (no rsID available, gnomAD 0.0009%). This variant has not been reported in the literature in individuals affected with APC-related conditions. ClinVar contains an entry for this variant (Variation ID: 640116). Advanced modeling of protein sequence and biophysical properties (such as structural, functional, and spatial information, amino acid conservation, physicochemical variation, residue mobility, and thermodynamic stability) performed at Invitae indicates that this missense variant is not expected to disrupt APC protein function. In summary, the available evidence is currently insufficient to determine the role of this variant in disease. Therefore, it has been classified as a Variant of Uncertain Significance.

NM_000038.6(APC):c.3713G>C (p.Ser1238Thr)

Gene: APC (APC regulator of Wnt signaling pathway; plus strand). Cytogenetic location: 5q22.2.
Variant type: single nucleotide variant.
Coding change: c.3713G>C on transcript NM_000038.6 (MANE Select); coding-DNA position 3713, G replaced by C.
Protein change: p.Ser1238Thr; replaces serine 1238 with threonine.
Molecular consequence: missense variant.
Genome position (GRCh38, 1-based): chr5:112,839,307, G>C. VCF-style: chr5-112839307-G-C. GRCh37 (hg19) VCF-style: chr5-112175004-G-C.
Other names: c.3713G>C, p.Ser1238Thr (NM_001127510.3, NM_001354895.2); c.3659G>C, p.Ser1220Thr (NM_001127511.3); c.3767G>C, p.Ser1256Thr (NM_001354896.2); c.3743G>C, p.Ser1248Thr (NM_001354897.2); c.3638G>C, p.Ser1213Thr (NM_001354898.2); c.3629G>C, p.Ser1210Thr (NM_001354899.2); c.3590G>C, p.Ser1197Thr (NM_001354900.2); c.3536G>C, p.Ser1179Thr (NM_001354901.2); and 5 more; short protein forms S1112T, S1197T, S1248T, S1137T, S1147T, S1210T, S1213T, S1256T.
Identifiers: ClinVar variation 640116 (VCV000640116.13), dbSNP rs1353003758, ClinGen allele CA16029481.